The following is an entry in ClinVar:

ClinVar aggregate classification (germline): Uncertain significance (1 of 4 stars; one submission).

Allele frequency attached by ClinVar (database versions not stated): gnomAD exomes 0.00002 and 0.00003; gnomAD 0.00004; TOPMed 0.00005; ExAC 0.00006.

Submission:

Labcorp Genetics (formerly Invitae), Labcorp
Classification: Uncertain significance. Last evaluated: 2024-08-31. Review status: criteria provided, single submitter. Criteria: Invitae Variant Classification Sherloc (09022015). Collection method: clinical testing. Allele origin: germline.
Comment: This sequence change replaces proline, which is neutral and non-polar, with leucine, which is neutral and non-polar, at codon 106 of the FSCN2 protein (p.Pro106Leu). This variant is present in population databases (rs782305650, gnomAD 0.009%). This variant has not been reported in the literature in individuals affected with FSCN2-related conditions. ClinVar contains an entry for this variant (Variation ID: 970224). An algorithm developed to predict the effect of missense changes on protein structure and function (PolyPhen-2) suggests that this variant is likely to be disruptive. In summary, the available evidence is currently insufficient to determine the role of this variant in disease. Therefore, it has been classified as a Variant of Uncertain Significance.

NM_012418.4(FSCN2):c.317C>T (p.Pro106Leu)

Gene: FSCN2 (fascin actin-bundling protein 2, retinal; plus strand). Cytogenetic location: 17q25.3.
Variant type: single nucleotide variant.
Coding change: c.317C>T on transcript NM_012418.4 (MANE Select); coding-DNA position 317, C replaced by T.
Protein change: p.Pro106Leu; replaces proline 106 with leucine.
Molecular consequence: missense variant.
Genome position (GRCh38, 1-based): chr17:81,528,848, C>T. VCF-style: chr17-81528848-C-T. GRCh37 (hg19) VCF-style: chr17-79495874-C-T.
Other names: c.317C>T, p.Pro106Leu (NM_001077182.3); short protein forms P106L.
Identifiers: ClinVar variation 970224 (VCV000970224.7), dbSNP rs782305650, ClinGen allele CA8836642.